The following is an entry in ClinVar:

NM_000168.6(GLI3):c.245G>A (p.Arg82Lys)

Gene: GLI3 (GLI family zinc finger 3; minus strand). Cytogenetic location: 7p14.1.
Variant type: single nucleotide variant.
Coding change: c.245G>A on transcript NM_000168.6 (MANE Select); coding-DNA position 245, G replaced by A.
Protein change: p.Arg82Lys; replaces arginine 82 with lysine.
Molecular consequence: missense variant.
Genome position (GRCh38, 1-based): chr7:42,148,348, C>T on the plus strand (G>A on the coding strand, the complement: GLI3 is on the minus strand). VCF-style: chr7-42148348-C-T. GRCh37 (hg19) VCF-style: chr7-42187947-C-T.
Other names: short protein forms R82K.
Identifiers: ClinVar variation 1343295 (VCV001343295.11), dbSNP rs754143860, ClinGen allele CA4231268.

ClinVar aggregate classification (germline): Conflicting classifications of pathogenicity. Review status: criteria provided, conflicting classifications (1 of 4 stars). 4 submissions from 4 submitters: Uncertain significance (1); Likely benign (2). 1 of the submissions does not count toward it. Last evaluated 2025-03-22.

Conditions:
Pallister-Hall syndrome (PHS). Also called: GLI3-Related Pallister-Hall Syndrome; HYPOTHALAMIC HAMARTOBLASTOMA, HYPOPITUITARISM, IMPERFORATE ANUS, AND POSTAXIAL POLYDACTYLY. Identifiers: Orphanet 672, MedGen C0265220, MONDO:0007804, OMIM 146510.
Polysyndactyly 4. Also called: Polysyndactyly uncomplicated; Preaxial polydactyly 4. Identifiers: Orphanet 93338, MedGen C1868111, MONDO:0008272, OMIM 174700.
Polydactyly, postaxial, type A1. Identifiers: MedGen C4282400, MONDO:0008266, OMIM 174200.
Greig cephalopolysyndactyly syndrome (GCPS). Also called: POLYSYNDACTYLY WITH PECULIAR SKULL SHAPE; Greig syndrome; GLI3-Related Greig Cephalopolysyndactyly Syndrome. Identifiers: Orphanet 380, MedGen C0265306, MONDO:0008287, OMIM 175700.
Hepatoblastoma. Identifiers: Orphanet 449, MedGen C0206624, MONDO:0018666, HP:0002884.

Allele frequency attached by ClinVar (database versions not stated): gnomAD exomes 0.00001; ExAC 0.00002; gnomAD 0.00003 and 0.00004; TOPMed 0.00006.

Submissions (4):

Labcorp Genetics (formerly Invitae), Labcorp
Classification: Likely benign for Pallister-Hall syndrome; Greig cephalopolysyndactyly syndrome. Last evaluated: 2025-03-22. Review status: criteria provided, single submitter. Criteria: Invitae Variant Classification Sherloc (09022015). Collection method: clinical testing. Allele origin: germline.

Fulgent Genetics
Classification: Likely benign for Pallister-Hall syndrome; Polydactyly, postaxial, type A1; Polysyndactyly 4; Greig cephalopolysyndactyly syndrome. Last evaluated: 2024-05-18. Review status: criteria provided, single submitter. Criteria: ACMG Guidelines, 2015. Collection method: clinical testing. Allele origin: germline.

GeneDx
Classification: Uncertain significance. Last evaluated: 2022-04-13. Review status: criteria provided, single submitter. Criteria: GeneDx Variant Classification Process June 2021. Collection method: clinical testing. Allele origin: germline. Affected: yes.
Comment: Reported in both affected and unaffected siblings in a family with hypogonadotropic hypogonadism in published literature (Quaynor et al., 2016); In silico analysis supports that this missense variant does not alter protein structure/function; This variant is associated with the following publications: (PMID: 27502037)

Molecular Oncology -  Human Genetics Lab, University of Sao Paulo
Classification: Uncertain significance for Hepatoblastoma. Review status: no assertion criteria provided. Collection method: research. Allele origin: germline. Affected: yes. Not counted in ClinVar's aggregate classification.